The following is an entry in ClinVar:

NM_004360.5(CDH1):c.2405C>T (p.Ala802Val)

Gene: CDH1 (cadherin 1; plus strand). Cytogenetic location: 16q22.1.
Variant type: single nucleotide variant.
Coding change: c.2405C>T on transcript NM_004360.5 (MANE Select); coding-DNA position 2405, C replaced by T.
Protein change: p.Ala802Val; replaces alanine 802 with valine.
Molecular consequence: missense variant.
Genome position (GRCh38, 1-based): chr16:68,829,763, C>T. VCF-style: chr16-68829763-C-T. GRCh37 (hg19) VCF-style: chr16-68863666-C-T.
Other names: c.2222C>T, p.Ala741Val (NM_001317184.2); c.857C>T, p.Ala286Val (NM_001317185.2); c.440C>T, p.Ala147Val (NM_001317186.2); short protein forms A741V, A147V, A802V, A286V.
Identifiers: ClinVar variation 3265127 (VCV003265127.3).
Genomic context (GRCh38, chr16:68,829,763, plus strand): 5'-TGACTCGTAACGACGTTGCACCAACCCTCATGAGTGTCCCCCGGTATCTTCCCCGCCCTG[C>T]CAATCCCGATGAAATTGGAAATTTTATTGATGAAGTAAGTAATCCACGTGGAAAGCCAAA-3'
Protein context (NP_004351.1, residues 792-812): MSVPRYLPRP[Ala802Val]NPDEIGNFID

ClinVar aggregate classification (germline): Uncertain significance. Review status: criteria provided, multiple submitters, no conflicts (2 of 4 stars). 2 submissions from 2 submitters: Uncertain significance (2). Last evaluated 2025-03-27.

Conditions:
Hereditary cancer-predisposing syndrome. Also called: Neoplastic Syndromes, Hereditary; Hereditary neoplastic syndrome; Tumor predisposition; Hereditary Cancer Syndrome. Identifiers: Orphanet 140162, MedGen C0027672, MeSH D009386, MONDO:0015356.
Hereditary diffuse gastric adenocarcinoma (HDGC). Also called: DIFFUSE GASTRIC AND LOBULAR BREAST CANCER SYNDROME. Identifiers: Orphanet 26106, MedGen C1708349, MONDO:0007648, OMIM 137215.

gnomAD v4.1: 8 of 1,613,972 alleles (0.0005%); highest among the groups gnomAD compares: Non-Finnish European, 0.00059%; no homozygotes.

Submissions (2):

Labcorp Genetics (formerly Invitae), Labcorp
Classification: Uncertain significance for Hereditary diffuse gastric adenocarcinoma. Last evaluated: 2025-03-27. Review status: criteria provided, single submitter. Criteria: Invitae Variant Classification Sherloc (09022015). Collection method: clinical testing. Allele origin: germline.
Comment: This sequence change replaces alanine, which is neutral and non-polar, with valine, which is neutral and non-polar, at codon 802 of the CDH1 protein (p.Ala802Val). This variant is not present in population databases (gnomAD no frequency). This variant has not been reported in the literature in individuals affected with CDH1-related conditions. ClinVar contains an entry for this variant (Variation ID: 3265127). An algorithm developed to predict the effect of missense changes on protein structure and function (PolyPhen-2) suggests that this variant is likely to be disruptive. In summary, the available evidence is currently insufficient to determine the role of this variant in disease. Therefore, it has been classified as a Variant of Uncertain Significance.

Ambry Genetics
Classification: Uncertain significance for Hereditary cancer-predisposing syndrome. Last evaluated: 2024-03-21. Review status: criteria provided, single submitter. Criteria: Ambry Variant Classification Scheme 2023. Collection method: clinical testing. Allele origin: germline.
Comment: The p.A802V variant (also known as c.2405C>T), located in coding exon 15 of the CDH1 gene, results from a C to T substitution at nucleotide position 2405. The alanine at codon 802 is replaced by valine, an amino acid with similar properties. This amino acid position is conserved. In addition, the in silico prediction for this alteration is inconclusive. Based on the available evidence, the clinical significance of this alteration remains unclear.